The following is an entry in ClinVar:

NM_032776.3(JMJD1C):c.1649A>C (p.Asn550Thr)

Gene: JMJD1C (jumonji domain containing 1C; minus strand). Cytogenetic location: 10q21.3.
Variant type: single nucleotide variant.
Coding change: c.1649A>C on transcript NM_032776.3 (MANE Select); coding-DNA position 1649, A replaced by C.
Protein change: p.Asn550Thr; replaces asparagine 550 with threonine.
Molecular consequence: missense variant. On other transcripts: non-coding transcript variant (1).
Genome position (GRCh38, 1-based): chr10:63,214,518, T>G on the plus strand (A>C on the coding strand, the complement: JMJD1C is on the minus strand). VCF-style: chr10-63214518-T-G. GRCh37 (hg19) VCF-style: chr10-64974278-T-G.
Other names: c.1103A>C, p.Asn368Thr (NM_001282948.2, NM_001318154.2); c.785A>C, p.Asn262Thr (NM_001318153.2); c.1535A>C, p.Asn512Thr (NM_001322252.2); c.992A>C, p.Asn331Thr (NM_001322254.2, NM_001322258.2); short protein forms N262T, N331T, N368T, N550T, N512T.
Identifiers: ClinVar variation 843678 (VCV000843678.9), dbSNP rs1006439536, ClinGen allele CA208377223.

ClinVar aggregate classification (germline): Uncertain significance (1 of 4 stars; one submission).

Conditions:
Early Myoclonic Encephalopathy. Identifiers: MedGen C0270855.

Allele frequency attached by ClinVar (database versions not stated): gnomAD exomes 0.00001 and below 0.00001; TOPMed 0.00001; gnomAD 0.00001.
gnomAD v4.1: 3 of 1,613,876 alleles (0.00019%); highest among the groups gnomAD compares: Admixed American, 0.0033%; no homozygotes.

Submission:

Labcorp Genetics (formerly Invitae), Labcorp
Classification: Uncertain significance for Early Myoclonic Encephalopathy. Last evaluated: 2023-06-14. Review status: criteria provided, single submitter. Criteria: Invitae Variant Classification Sherloc (09022015). Collection method: clinical testing. Allele origin: germline.
Comment: This sequence change replaces asparagine, which is neutral and polar, with threonine, which is neutral and polar, at codon 550 of the JMJD1C protein (p.Asn550Thr). In summary, the available evidence is currently insufficient to determine the role of this variant in disease. Therefore, it has been classified as a Variant of Uncertain Significance. Advanced modeling of protein sequence and biophysical properties (such as structural, functional, and spatial information, amino acid conservation, physicochemical variation, residue mobility, and thermodynamic stability) performed at Invitae indicates that this missense variant is not expected to disrupt JMJD1C protein function. ClinVar contains an entry for this variant (Variation ID: 843678). This variant has not been reported in the literature in individuals affected with JMJD1C-related conditions. This variant is present in population databases (no rsID available, gnomAD 0.003%).